The following is an entry in ClinVar:

ClinVar aggregate classification (germline): Uncertain significance (1 of 4 stars; one submission).

Submission:

Labcorp Genetics (formerly Invitae), Labcorp
Classification: Uncertain significance. Last evaluated: 2022-06-05. Review status: criteria provided, single submitter. Criteria: Invitae Variant Classification Sherloc (09022015). Collection method: clinical testing. Allele origin: germline.
Comment: In summary, the available evidence is currently insufficient to determine the role of this variant in disease. Therefore, it has been classified as a Variant of Uncertain Significance. Algorithms developed to predict the effect of missense changes on protein structure and function are either unavailable or do not agree on the potential impact of this missense change (SIFT: "Deleterious"; PolyPhen-2: "Possibly Damaging"; Align-GVGD: "Class C0"). ClinVar contains an entry for this variant (Variation ID: 1443528). This variant has not been reported in the literature in individuals affected with FGFRL1-related conditions. This variant is not present in population databases (gnomAD no frequency). This sequence change replaces lysine, which is basic and polar, with asparagine, which is neutral and polar, at codon 87 of the FGFRL1 protein (p.Lys87Asn).

NM_001004356.3(FGFRL1):c.261G>T (p.Lys87Asn)

Gene: FGFRL1 (fibroblast growth factor receptor like 1; plus strand). Cytogenetic location: 4p16.3.
Variant type: single nucleotide variant.
Coding change: c.261G>T on transcript NM_001004356.3 (MANE Select); coding-DNA position 261, G replaced by T.
Protein change: p.Lys87Asn; replaces lysine 87 with asparagine.
Molecular consequence: missense variant.
Genome position (GRCh38, 1-based): chr4:1,022,384, G>T. VCF-style: chr4-1022384-G-T. GRCh37 (hg19) VCF-style: chr4-1016172-G-T.
Other names: c.261G>T, p.Lys87Asn (NM_001004358.1, NM_001370296.1, NM_021923.3); short protein forms K87N.
Identifiers: ClinVar variation 1443528 (VCV001443528.6), dbSNP rs756265844, ClinGen allele CA355929086.
Genomic context (GRCh38, chr4:1,022,384, plus strand): 5'-CCGCACCATCCACAGCGGCTGGAGCCGCTTCCGCGTGCTGCCGCAGGGGCTGAAGGTGAA[G>T]CAGGTGGAGCGGGAGGATGCCGGCGTGTACGTGTGCAAGGCCACCAACGGCTTCGGCAGC-3'
Protein context (NP_001004356.1, residues 77-97): FRVLPQGLKV[Lys87Asn]QVEREDAGVY